The following is an entry in ClinVar:

ClinVar aggregate classification (germline): Uncertain significance. Review status: criteria provided, multiple submitters, no conflicts (2 of 4 stars). 2 submissions from 2 submitters: Uncertain significance (2). Last evaluated 2024-06-13.

Conditions:
Nephronophthisis 16 (NPHP16). Identifiers: Orphanet 655, MedGen C3809320, MONDO:0014158, OMIM 615382.

gnomAD v4.1: 31 of 1,602,102 alleles (0.0019%); highest among the groups gnomAD compares: African/African-American, 0.0027%; no homozygotes.

Submissions (2):

Fulgent Genetics
Classification: Uncertain significance for Nephronophthisis 16. Last evaluated: 2024-06-13. Review status: criteria provided, single submitter. Criteria: ACMG Guidelines, 2015. Collection method: clinical testing. Allele origin: germline.

Labcorp Genetics (formerly Invitae), Labcorp
Classification: Uncertain significance for Nephronophthisis 16. Last evaluated: 2024-06-07. Review status: criteria provided, single submitter. Criteria: Invitae Variant Classification Sherloc (09022015). Collection method: clinical testing. Allele origin: germline.
Comment: This sequence change replaces threonine, which is neutral and polar, with methionine, which is neutral and non-polar, at codon 738 of the ANKS6 protein (p.Thr738Met). The frequency data for this variant in the population databases is considered unreliable, as metrics indicate poor data quality at this position in the gnomAD database. This variant has not been reported in the literature in individuals affected with ANKS6-related conditions. An algorithm developed to predict the effect of missense changes on protein structure and function (PolyPhen-2) suggests that this variant is likely to be disruptive. In summary, the available evidence is currently insufficient to determine the role of this variant in disease. Therefore, it has been classified as a Variant of Uncertain Significance.

NM_173551.5(ANKS6):c.2213C>T (p.Thr738Met)

Gene: ANKS6 (ankyrin repeat and sterile alpha motif domain containing 6; minus strand). Cytogenetic location: 9q22.33.
Variant type: single nucleotide variant.
Coding change: c.2213C>T on transcript NM_173551.5 (MANE Select); coding-DNA position 2213, C replaced by T.
Protein change: p.Thr738Met; replaces threonine 738 with methionine.
Molecular consequence: missense variant.
Genome position (GRCh38, 1-based): chr9:98,756,533, G>A on the plus strand (C>T on the coding strand, the complement: ANKS6 is on the minus strand). VCF-style: chr9-98756533-G-A. GRCh37 (hg19) VCF-style: chr9-101518815-G-A.
Other names: short protein forms T738M.
Identifiers: ClinVar variation 3596028 (VCV003596028.3).